The following is an entry in ClinVar:

NM_138694.4(PKHD1):c.9550dup (p.Tyr3184fs)

Gene: PKHD1 (PKHD1 ciliary IPT domain containing fibrocystin/polyductin; minus strand). Cytogenetic location: 6p12.3.
Variant type: Duplication.
Coding change: c.9550dup on transcript NM_138694.4 (MANE Select); coding-DNA position 9550, one base duplicated (T; older notation c.9550dupT).
Protein change: p.Tyr3184fs; shifts the reading frame from tyrosine 3184.
Molecular consequence: frameshift variant.
Genome position (GRCh38, 1-based): chr6:51,748,066, A duplicated on the plus strand (T on the coding strand, the reverse complement: PKHD1 is on the minus strand). VCF-style (leftmost placement, unchanged base first): chr6-51748065-T-TA. GRCh37 (hg19) VCF-style: chr6-51612863-T-TA.
Other names: c.9550dup, p.Tyr3184fs (NM_170724.3); short protein forms Y3184fs.
Identifiers: ClinVar variation 4816801 (VCV004816801.1).

ClinVar aggregate classification (germline): Likely pathogenic (1 of 4 stars; one submission).

Conditions:
Autosomal recessive polycystic kidney disease (ARPKD). Also called: AR polycystic kidney disease. Identifiers: Orphanet 731, Orphanet 8378, MedGen C0085548, MeSH D017044, MONDO:0009889.

Submission:

Natera, Inc.
Classification: Likely pathogenic for Autosomal recessive polycystic kidney disease. Last evaluated: 2025-07-28. Review status: criteria provided, single submitter. Criteria: Natera Variant Classification Schema (03/2026). Collection method: clinical testing. Allele origin: germline.
Comment: The c.9550dupT variant in PKHD1 is a frameshift variant predicted to shift the reading frame beginning at codon 3184 and leads to a stop codon 18 codons downstream. This variant is expected to result in nonsense mediated decay, truncation, or a dysfunctional protein product. This variant is rare in the general population with a frequency below the threshold expected for the associated phenotype(s). Given the available evidence, this variant is classified as Likely Pathogenic.